The following is an entry in ClinVar:

NM_000286.3(PEX12):c.*166C>A

Gene: PEX12 (peroxisomal biogenesis factor 12; minus strand). Cytogenetic location: 17q12.
Variant type: single nucleotide variant.
Coding change: c.*166C>A on transcript NM_000286.3 (MANE Select); 166 bases downstream of the stop codon, C replaced by A.
Molecular consequence: 3 prime UTR variant.
Genome position (GRCh38, 1-based): chr17:35,575,616, G>T on the plus strand (C>A on the coding strand, the complement: PEX12 is on the minus strand). VCF-style: chr17-35575616-G-T. GRCh37 (hg19) VCF-style: chr17-33902635-G-T.
Identifiers: ClinVar variation 322651 (VCV000322651.7), dbSNP rs1037590, ClinGen allele CA10645425.
Genomic context (GRCh38, chr17:35,575,616, plus strand): 5'-TCCTTCTACTTTAAGCAGCTTGGTCAACTGTAAGTAGGGTTCTAGAGAGCAGGCTAAAAG[G>T]TTAGGATCAAATGGGCATATCCTTTTAAAGAAATCCATATAATCATTTAAAGTTCATATA-3'

ClinVar aggregate classification (germline): Benign. Review status: criteria provided, multiple submitters, no conflicts (2 of 4 stars). 3 submissions from 3 submitters: Benign (3). Last evaluated 2018-10-17.

Conditions:
Peroxisome biogenesis disorder 3A (Zellweger). Also called: PEROXISOMAL BIOGENESIS DISORDER 3A (ZELLWEGER); Peroxisome biogenesis disorder 3A. Identifiers: Orphanet 912, MedGen C3553929, MONDO:0013927, OMIM 614859.

Allele frequency attached by ClinVar (database versions not stated): gnomAD 0.20532 and 0.20741; TOPMed 0.21623; 1000 Genomes Project 30x 0.24703; 1000 Genomes Project 0.24221; gnomAD exomes 0.19732.

Submissions (3):

GeneDx
Classification: Benign. Last evaluated: 2018-10-17. Review status: criteria provided, single submitter. Criteria: GeneDx Variant Classification Process June 2021. Collection method: clinical testing. Allele origin: germline. Affected: yes.

Illumina Laboratory Services, Illumina
Classification: Benign for Peroxisome biogenesis disorder 3A (Zellweger). Last evaluated: 2018-01-12. Review status: criteria provided, single submitter. Criteria: ICSL Variant Classification Criteria 13 December 2019. Collection method: clinical testing. Allele origin: germline.
Comment: This variant was observed in the ICSL laboratory as part of a predisposition screen in an ostensibly healthy population. It had not been previously curated by ICSL or reported in the Human Gene Mutation Database (HGMD: prior to June 1st, 2018), and was therefore a candidate for classification through an automated scoring system. Utilizing variant allele frequency, disease prevalence and penetrance estimates, and inheritance mode, an automated score was calculated to assess if this variant is too frequent to cause the disease. Based on the score and internal cut-off values, a variant classified as benign is not then subjected to further curation. The score for this variant resulted in a classification of benign for this disease.

Breakthrough Genomics
Classification: Benign. Review status: criteria provided, single submitter. Criteria: ACMG Guidelines, 2015. Collection method: not provided. Allele origin: germline. Inheritance: Autosomal recessive inheritance. Affected: yes.